The following is an entry in ClinVar:

NM_021147.5(CCNO):c.423C>G (p.Ile141Met)

Gene: CCNO (cyclin O; minus strand). Cytogenetic location: 5q11.2.
Variant type: single nucleotide variant.
Coding change: c.423C>G on transcript NM_021147.5 (MANE Select); coding-DNA position 423, C replaced by G.
Protein change: p.Ile141Met; replaces isoleucine 141 with methionine.
Molecular consequence: missense variant. On other transcripts: non-coding transcript variant (3).
Genome position (GRCh38, 1-based): chr5:55,232,505, G>C on the plus strand (C>G on the coding strand, the complement: CCNO is on the minus strand). VCF-style: chr5-55232505-G-C. GRCh37 (hg19) VCF-style: chr5-54528333-G-C.
Other names: short protein forms I141M.
Identifiers: ClinVar variation 1975327 (VCV001975327.5), dbSNP rs1472120280, ClinGen allele CA359723489.

ClinVar aggregate classification (germline): Uncertain significance (1 of 4 stars; one submission).

Conditions:
Primary ciliary dyskinesia. Also called: Ciliary dyskinesia. Identifiers: Orphanet 244, MedGen C0008780, MONDO:0016575, HP:0012265.

Allele frequency attached by ClinVar (database versions not stated): TOPMed 0.00001.
gnomAD v4.1: 3 of 1,613,762 alleles (0.00019%); highest among the groups gnomAD compares: Non-Finnish European, 0.00025%; no homozygotes.

Submission:

Labcorp Genetics (formerly Invitae), Labcorp
Classification: Uncertain significance for Primary ciliary dyskinesia. Last evaluated: 2023-07-17. Review status: criteria provided, single submitter. Criteria: Invitae Variant Classification Sherloc (09022015). Collection method: clinical testing. Allele origin: germline.
Comment: In summary, the available evidence is currently insufficient to determine the role of this variant in disease. Therefore, it has been classified as a Variant of Uncertain Significance. Advanced modeling of protein sequence and biophysical properties (such as structural, functional, and spatial information, amino acid conservation, physicochemical variation, residue mobility, and thermodynamic stability) performed at Invitae indicates that this missense variant is not expected to disrupt CCNO protein function. ClinVar contains an entry for this variant (Variation ID: 1975327). This variant has not been reported in the literature in individuals affected with CCNO-related conditions. This variant is not present in population databases (gnomAD no frequency). This sequence change replaces isoleucine, which is neutral and non-polar, with methionine, which is neutral and non-polar, at codon 141 of the CCNO protein (p.Ile141Met).